The following is an entry in ClinVar:

ClinVar aggregate classification (germline): Uncertain significance. Review status: criteria provided, multiple submitters, no conflicts (2 of 4 stars). 3 submissions from 3 submitters: Uncertain significance (2). 1 of the submissions does not count toward it. Last evaluated 2026-01-13.

Conditions:
DIS3L2-related disorder. Also called: DIS3L2-related condition.
Perlman syndrome (PRLMNS). Identifiers: Orphanet 2849, MedGen C0796113, MONDO:0009965, OMIM 267000.

Allele frequency attached by ClinVar (database versions not stated): ExAC 0.00004; gnomAD exomes 0.00006; TOPMed 0.00011.
gnomAD v4.1: 28 of 1,613,868 alleles (0.0017%); highest among the groups gnomAD compares: East Asian, 0.051%; no homozygotes.

Submissions (3):

Labcorp Genetics (formerly Invitae), Labcorp
Classification: Uncertain significance for Perlman syndrome. Last evaluated: 2026-01-13. Review status: criteria provided, single submitter. Criteria: Invitae Variant Classification Sherloc (09022015). Collection method: clinical testing. Allele origin: germline.
Comment: This sequence change replaces alanine, which is neutral and non-polar, with proline, which is neutral and non-polar, at codon 291 of the DIS3L2 protein (p.Ala291Pro). This variant is present in population databases (rs753115829, gnomAD 0.07%). This variant has not been reported in the literature in individuals affected with DIS3L2-related conditions. ClinVar contains an entry for this variant (Variation ID: 241987). An algorithm developed to predict the effect of missense changes on protein structure and function (PolyPhen-2) suggests that this variant is likely to be tolerated. In summary, the available evidence is currently insufficient to determine the role of this variant in disease. Therefore, it has been classified as a Variant of Uncertain Significance.

Fulgent Genetics
Classification: Uncertain significance for Perlman syndrome. Last evaluated: 2024-02-18. Review status: criteria provided, single submitter. Criteria: ACMG Guidelines, 2015. Collection method: clinical testing. Allele origin: germline.

PreventionGenetics, part of Exact Sciences
Classification: Uncertain significance for DIS3L2-related condition. Last evaluated: 2024-07-17. Review status: no assertion criteria provided. Collection method: clinical testing. Allele origin: germline. Not counted in ClinVar's aggregate classification.
Comment: The DIS3L2 c.871G>C variant is predicted to result in the amino acid substitution p.Ala291Pro. To our knowledge, this variant has not been reported in the literature. This variant is reported in 0.067% of alleles in individuals of East Asian descent in gnomAD. This variant has been interpreted as a variant of uncertain significance in ClinVar. Although we suspect that this variant may be benign, at this time, the clinical significance of this variant is uncertain due to the absence of conclusive functional and genetic evidence.

NM_152383.5(DIS3L2):c.871G>C (p.Ala291Pro)

Gene: DIS3L2 (DIS3 like 3'-5' exoribonuclease 2; plus strand). Cytogenetic location: 2q37.1.
Variant type: single nucleotide variant.
Coding change: c.871G>C on transcript NM_152383.5 (MANE Select); coding-DNA position 871, G replaced by C.
Protein change: p.Ala291Pro; replaces alanine 291 with proline.
Molecular consequence: missense variant. On other transcripts: non-coding transcript variant (1).
Genome position (GRCh38, 1-based): chr2:232,136,640, G>C. VCF-style: chr2-232136640-G-C. GRCh37 (hg19) VCF-style: chr2-233001350-G-C.
Other names: c.871G>C, p.Ala291Pro (NM_001257281.2); short protein forms A291P.
Identifiers: ClinVar variation 241987 (VCV000241987.11), dbSNP rs753115829, ClinGen allele CA2163961.